The following is an entry in ClinVar:

NM_012203.2(GRHPR):c.930_931dup (p.Asn311fs)

Gene: GRHPR (glyoxylate and hydroxypyruvate reductase; plus strand). Cytogenetic location: 9p13.2.
Variant type: Duplication.
Coding change: c.930_931dup on transcript NM_012203.2 (MANE Select); coding-DNA positions 930 to 931, 2 bases duplicated (TA; older notation c.930_931dupTA).
Protein change: p.Asn311fs; shifts the reading frame from asparagine 311.
Molecular consequence: frameshift variant.
Genome position (GRCh38, 1-based): chr9:37,436,725-37,436,726, TA duplicated. VCF-style (leftmost placement, unchanged base first): chr9-37436724-C-CTA. GRCh37 (hg19) VCF-style: chr9-37436721-C-CTA.
Other names: c.930_931insAA; short protein forms N311fs.
Identifiers: ClinVar variation 2671865 (VCV002671865.1), dbSNP rs2489258743, ClinGen allele CA2695201585.

ClinVar aggregate classification (germline): Pathogenic (1 of 4 stars; one submission).

Conditions:
Primary hyperoxaluria, type II (HP2). Also called: OXALOSIS II; Primary hyperoxaluria type 2; D-GLYCERATE DEHYDROGENASE DEFICIENCY; GLYCERIC ACIDURIA; GLYOXYLATE REDUCTASE/HYDROXYPYRUVATE REDUCTASE DEFICIENCY. Identifiers: Orphanet 416, Orphanet 93599, MedGen C0268165, MONDO:0009824, OMIM 260000. Disease mechanism: loss of function.

Submission:

Thalassemia Center, San Luigi University Hospital
Classification: Pathogenic for Primary hyperoxaluria, type II. Last evaluated: 2023-10-27. Review status: criteria provided, single submitter. Criteria: ACMG Guidelines, 2015. Collection method: clinical testing. Allele origin: germline. Affected: yes.
Comment: ACMG:PVS1 PM2 PM3 PP4

Literature cited by the submitters: PubMed 35678848.